The following is an entry in ClinVar:

NM_003919.3(SGCE):c.1010A>G (p.Tyr337Cys)

Genes: CASD1 (CAS1 domain sialic acid O acetyltransferase 1; plus strand), SGCE (sarcoglycan epsilon; minus strand). Cytogenetic location: 7q21.3.
Variant type: single nucleotide variant.
Coding change: c.1010A>G on transcript NM_003919.3 (MANE Select); coding-DNA position 1010, A replaced by G.
Protein change: p.Tyr337Cys; replaces tyrosine 337 with cysteine.
Molecular consequence: missense variant.
Genome position (GRCh38, 1-based): chr7:94,600,673, T>C on the plus strand (A>G on the coding strand, the complement: SGCE is on the minus strand). VCF-style: chr7-94600673-T-C. GRCh37 (hg19) VCF-style: chr7-94229985-T-C.
Other names: c.1010A>G, p.Tyr337Cys (NM_001099400.2, NM_001099401.2, NM_001346717.2); c.887A>G, p.Tyr296Cys (NM_001301139.2, NM_001362809.2); c.1118A>G, p.Tyr373Cys (NM_001346713.2, NM_001346715.2); c.923A>G, p.Tyr308Cys (NM_001346719.2, NM_001362807.2); c.737A>G, p.Tyr246Cys (NM_001346720.2, NM_001362808.2); short protein forms Y337C, Y246C, Y373C, Y308C, Y296C.
Identifiers: ClinVar variation 1367083 (VCV001367083.6), dbSNP rs1799066913, ClinGen allele CA368230482.

ClinVar aggregate classification (germline): Uncertain significance (1 of 4 stars; one submission).

Conditions:
Myoclonic dystonia 11 (DYT11). Also called: DYT-SGCE; Myoclonic dystonia; Dystonia 11; Dystonia, alcohol responsive; Hereditary essential myoclonus; SGCE Myoclonus-Dystonia. Identifiers: Orphanet 36899, MedGen C1834570, MONDO:0008044, OMIM 159900.

Allele frequency attached by ClinVar (database versions not stated): gnomAD exomes below 0.00001.
gnomAD v4.1: 1 of 1,613,706 alleles (0.000062%); highest among the groups gnomAD compares: Non-Finnish European, 0.000085%; no homozygotes.

Submission:

Labcorp Genetics (formerly Invitae), Labcorp
Classification: Uncertain significance for Myoclonic dystonia 11. Last evaluated: 2022-08-09. Review status: criteria provided, single submitter. Criteria: Invitae Variant Classification Sherloc (09022015). Collection method: clinical testing. Allele origin: germline.
Comment: In summary, the available evidence is currently insufficient to determine the role of this variant in disease. Therefore, it has been classified as a Variant of Uncertain Significance. Algorithms developed to predict the effect of missense changes on protein structure and function are either unavailable or do not agree on the potential impact of this missense change (SIFT: "Tolerated"; PolyPhen-2: "Probably Damaging"; Align-GVGD: "Class C0"). ClinVar contains an entry for this variant (Variation ID: 1367083). This variant has not been reported in the literature in individuals affected with SGCE-related conditions. This variant is not present in population databases (gnomAD no frequency). This sequence change replaces tyrosine, which is neutral and polar, with cysteine, which is neutral and slightly polar, at codon 337 of the SGCE protein (p.Tyr337Cys).